The following is an entry in ClinVar:

NM_000179.3(MSH6):c.718C>G (p.Arg240Gly)

Gene: MSH6 (mutS homolog 6; plus strand). Cytogenetic location: 2p16.3.
Variant type: single nucleotide variant.
Coding change: c.718C>G on transcript NM_000179.3 (MANE Select); coding-DNA position 718, C replaced by G.
Protein change: p.Arg240Gly; replaces arginine 240 with glycine.
Molecular consequence: missense variant. On other transcripts: 5 prime UTR variant (2).
Genome position (GRCh38, 1-based): chr2:47,798,701, C>G. VCF-style: chr2-47798701-C-G. GRCh37 (hg19) VCF-style: chr2-48025840-C-G.
Other names: c.328C>G, p.Arg110Gly (NM_001281492.2); c.-189C>G (NM_001281493.2, NM_001281494.2); short protein forms R240G, R110G.
Identifiers: ClinVar variation 644648 (VCV000644648.9), dbSNP rs63750019, ClinGen allele CA346740005.

ClinVar aggregate classification (germline): Uncertain significance (1 of 4 stars; one submission).

Conditions:
Hereditary nonpolyposis colorectal neoplasms. Identifiers: MedGen C0009405, MeSH D003123.

Submission:

Labcorp Genetics (formerly Invitae), Labcorp
Classification: Uncertain significance for Hereditary nonpolyposis colorectal neoplasms. Last evaluated: 2025-08-11. Review status: criteria provided, single submitter. Criteria: Invitae Variant Classification Sherloc (09022015). Collection method: clinical testing. Allele origin: germline.
Comment: This sequence change replaces arginine, which is basic and polar, with glycine, which is neutral and non-polar, at codon 240 of the MSH6 protein (p.Arg240Gly). This variant is not present in population databases (gnomAD no frequency). This variant has not been reported in the literature in individuals affected with MSH6-related conditions. ClinVar contains an entry for this variant (Variation ID: 644648). Invitae Evidence Modeling of protein sequence and biophysical properties (such as structural, functional, and spatial information, amino acid conservation, physicochemical variation, residue mobility, and thermodynamic stability) indicates that this missense variant is not expected to disrupt MSH6 protein function with a negative predictive value of 95%. In summary, the available evidence is currently insufficient to determine the role of this variant in disease. Therefore, it has been classified as a Variant of Uncertain Significance.